The following is an entry in ClinVar:

NM_176787.5(PIGN):c.1600del (p.Val534fs)

Gene: PIGN (phosphatidylinositol glycan anchor biosynthesis class N; minus strand). Cytogenetic location: 18q21.33.
Variant type: Deletion.
Coding change: c.1600del on transcript NM_176787.5 (MANE Select); coding-DNA position 1600, one base deleted (G; older notation c.1600delG).
Protein change: p.Val534fs; shifts the reading frame from valine 534.
Molecular consequence: frameshift variant.
Genome position (GRCh38, 1-based): chr18:62,107,060, C deleted on the plus strand (G on the coding strand, the reverse complement: PIGN is on the minus strand). VCF-style (leftmost placement, unchanged base first): chr18-62107059-AC-A. GRCh37 (hg19) VCF-style: chr18-59774292-AC-A.
Other names: c.1600del, p.Val534fs (NM_012327.6); short protein forms V534fs.
Identifiers: ClinVar variation 2751496 (VCV002751496.3), dbSNP rs2488614714, ClinGen allele CA2697555571.

ClinVar aggregate classification (germline): Pathogenic (1 of 4 stars; one submission).

Conditions:
Multiple congenital anomalies-hypotonia-seizures syndrome 1 (MCAHS1). Also called: GLYCOSYLPHOSPHATIDYLINOSITOL BIOSYNTHESIS DEFECT 3; PIGN-CDG; Congenital disorder of glycosylation due to PIGN deficiency. Identifiers: Orphanet 280633, MedGen C3279775, MONDO:0013563, OMIM 614080.

Submission:

Labcorp Genetics (formerly Invitae), Labcorp
Classification: Pathogenic for Multiple congenital anomalies-hypotonia-seizures syndrome 1. Last evaluated: 2023-08-10. Review status: criteria provided, single submitter. Criteria: Invitae Variant Classification Sherloc (09022015). Collection method: clinical testing. Allele origin: germline.
Comment: For these reasons, this variant has been classified as Pathogenic. This variant has not been reported in the literature in individuals affected with PIGN-related conditions. This variant is not present in population databases (gnomAD no frequency). This sequence change creates a premature translational stop signal (p.Val534Tyrfs*4) in the PIGN gene. It is expected to result in an absent or disrupted protein product. Loss-of-function variants in PIGN are known to be pathogenic (PMID: 24253414, 27038415).

Literature cited by the submitters: PubMed 24253414; PubMed 27038415.